The following is an entry in ClinVar:

ClinVar aggregate classification (germline): Pathogenic. Review status: criteria provided, multiple submitters, no conflicts (2 of 4 stars). 4 submissions from 4 submitters: Pathogenic (3). 1 of the submissions does not count toward it. Last evaluated 2025-03-10.

Conditions:
CFTR-related disorder (CFTR-RD). Also called: CFTR-related condition; CFTR-related disorders. Identifiers: MedGen C5924204, MONDO:7770004.
Cystic fibrosis (CF). Also called: MUCOVISCIDOSIS. Identifiers: Orphanet 586, MedGen C0010674, MONDO:0009061, OMIM 219700. Disease mechanism: loss of function.

Allele frequency attached by ClinVar (database versions not stated): gnomAD exomes below 0.00001; ExAC 0.00001.
gnomAD v4.1: 1 of 1,614,064 alleles (0.000062%); highest among the groups gnomAD compares: Non-Finnish European, 0.000085%; no homozygotes.

Submissions (4):

Natera, Inc.
Classification: Pathogenic for CFTR-related disorders. Last evaluated: 2025-03-10. Review status: criteria provided, single submitter. Criteria: Natera Variant Classification Schema (03/2026). Collection method: clinical testing. Allele origin: germline.
Comment: The c.596A>G variant in CFTR is a missense variant predicted to cause substitution of histidine to arginine at amino acid 199. This variant is rare in the general population with a frequency below the threshold expected for the associated phenotype(s). This variant has been observed in one or more individuals affected with the associated recessive disease, as either homozygous or compound heterozygous with a second variant (PMID: 32442342, 12865275, 15084222). A different variant at the same position has been determined to be Pathogenic or Likely Pathogenic. Computational prediction algorithms indicate this variant is likely to affect gene or protein function. Given the available evidence, this variant is classified as Pathogenic.

Labcorp Genetics (formerly Invitae), Labcorp
Classification: Pathogenic for Cystic fibrosis. Last evaluated: 2023-07-15. Review status: criteria provided, single submitter. Criteria: Invitae Variant Classification Sherloc (09022015). Collection method: clinical testing. Allele origin: germline.
Comment: ClinVar contains an entry for this variant (Variation ID: 54019). For these reasons, this variant has been classified as Pathogenic. This variant disrupts the p.His199 amino acid residue in CFTR. Other variant(s) that disrupt this residue have been determined to be pathogenic (PMID: 7525450, 9439669, 23974870, 27143075, 28608624). This suggests that this residue is clinically significant, and that variants that disrupt this residue are likely to be disease-causing. Advanced modeling of protein sequence and biophysical properties (such as structural, functional, and spatial information, amino acid conservation, physicochemical variation, residue mobility, and thermodynamic stability) performed at Invitae indicates that this missense variant is expected to disrupt CFTR protein function. This missense change has been observed in individual(s) with cystic fibrosis (PMID: 12865275, 15084222). In at least one individual the data is consistent with being in trans (on the opposite chromosome) from a pathogenic variant. This variant is present in population databases (rs397508764, gnomAD 0.0009%). This sequence change replaces histidine, which is basic and polar, with arginine, which is basic and polar, at codon 199 of the CFTR protein (p.His199Arg).

CFTR-France
Classification: Pathogenic for cystic fibrosis. Last evaluated: 2018-01-29. Review status: criteria provided, single submitter. Criteria: Claustres M et al. (Hum Mutat 2017). Collection method: curation. Allele origin: germline. Affected: yes.

ClinVar Staff, National Center for Biotechnology Information (NCBI)
No classification provided. Condition: CFTR-related disorders. Review status: no classification provided. Collection method: literature only. Allele origin: germline. Affected: yes. Not counted in ClinVar's aggregate classification.

Literature cited by the submitters: PubMed 32442342 (cited by Natera, Inc.); PubMed 12865275 (cited by Natera, Inc. and Labcorp Genetics (formerly Invitae), Labcorp); PubMed 15084222 (cited by Natera, Inc. and Labcorp Genetics (formerly Invitae), Labcorp); PubMed 7525450 (cited by Labcorp Genetics (formerly Invitae), Labcorp); PubMed 9439669 (cited by Labcorp Genetics (formerly Invitae), Labcorp); PubMed 23974870 (cited by Labcorp Genetics (formerly Invitae), Labcorp); PubMed 27143075 (cited by Labcorp Genetics (formerly Invitae), Labcorp); PubMed 28608624 (cited by Labcorp Genetics (formerly Invitae), Labcorp); PubMed 20059485 (cited by ClinVar Staff, National Center for Biotechnology Information (NCBI)).

NM_000492.4(CFTR):c.596A>G (p.His199Arg)

Gene: CFTR (CF transmembrane conductance regulator; plus strand). Cytogenetic location: 7q31.2.
Variant type: single nucleotide variant.
Coding change: c.596A>G on transcript NM_000492.4 (MANE Select); coding-DNA position 596, A replaced by G.
Protein change: p.His199Arg; replaces histidine 199 with arginine.
Molecular consequence: missense variant.
Genome position (GRCh38, 1-based): chr7:117,535,264, A>G. VCF-style: chr7-117535264-A-G. GRCh37 (hg19) VCF-style: chr7-117175318-A-G.
Other names: short protein forms H199R.
Identifiers: ClinVar variation 54019 (VCV000054019.12), dbSNP rs397508764, ClinGen allele CA327589.